The following is an entry in ClinVar:

ClinVar aggregate classification (germline): Uncertain significance. Review status: criteria provided, multiple submitters, no conflicts (2 of 4 stars). 3 submissions from 3 submitters: Uncertain significance (3). Last evaluated 2025-09-22.

Conditions:
Inborn genetic diseases. Identifiers: MedGen C0950123, MeSH D030342.
Intellectual developmental disorder, X-linked 93. Also called: Intellectual disability, X-linked 93; MENTAL RETARDATION, X-LINKED, WITH MACROCEPHALY. Identifiers: MedGen C1970841, MONDO:0010393, OMIM 300659.

Allele frequency attached by ClinVar (database versions not stated): gnomAD exomes 0.00001; ESP Exome Variant Server 0.00009; ExAC 0.00001; gnomAD 0.00001; TOPMed 0.00002.
gnomAD v4.1: 13 of 1,207,224 alleles (0.0011%); highest among the groups gnomAD compares: Admixed American, 0.0066%; no homozygotes.

Submissions (3):

Labcorp Genetics (formerly Invitae), Labcorp
Classification: Uncertain significance. Last evaluated: 2025-09-22. Review status: criteria provided, single submitter. Criteria: Invitae Variant Classification Sherloc (09022015). Collection method: clinical testing. Allele origin: germline.
Comment: This sequence change replaces serine, which is neutral and polar, with leucine, which is neutral and non-polar, at codon 1322 of the BRWD3 protein (p.Ser1322Leu). This variant is present in population databases (rs372993559, gnomAD 0.001%). This variant has not been reported in the literature in individuals affected with BRWD3-related conditions. ClinVar contains an entry for this variant (Variation ID: 914259). Invitae Evidence Modeling of protein sequence and biophysical properties (such as structural, functional, and spatial information, amino acid conservation, physicochemical variation, residue mobility, and thermodynamic stability) indicates that this missense variant is expected to disrupt BRWD3 protein function with a positive predictive value of 80%. In summary, the available evidence is currently insufficient to determine the role of this variant in disease. Therefore, it has been classified as a Variant of Uncertain Significance.

Ambry Genetics
Classification: Uncertain significance for Inborn genetic diseases. Last evaluated: 2025-04-20. Review status: criteria provided, single submitter. Criteria: Ambry Variant Classification Scheme 2023. Collection method: clinical testing. Allele origin: germline.

Illumina Laboratory Services, Illumina
Classification: Uncertain significance for Intellectual developmental disorder, X-linked 93. Last evaluated: 2018-01-13. Review status: criteria provided, single submitter. Criteria: ICSL Variant Classification Criteria 13 December 2019. Collection method: clinical testing. Allele origin: germline.

NM_153252.5(BRWD3):c.3965C>T (p.Ser1322Leu)

Gene: BRWD3 (bromodomain and WD repeat domain containing 3; minus strand). Cytogenetic location: Xq21.1.
Variant type: single nucleotide variant.
Coding change: c.3965C>T on transcript NM_153252.5 (MANE Select); coding-DNA position 3965, C replaced by T.
Protein change: p.Ser1322Leu; replaces serine 1322 with leucine.
Molecular consequence: missense variant.
Genome position (GRCh38, 1-based): chrX:80,686,903, G>A on the plus strand (C>T on the coding strand, the complement: BRWD3 is on the minus strand). VCF-style: chrX-80686903-G-A. GRCh37 (hg19) VCF-style: chrX-79942402-G-A.
Other names: short protein forms S1322L.
Identifiers: ClinVar variation 914259 (VCV000914259.8), dbSNP rs372993559, ClinGen allele CA10461738.